The following is an entry in ClinVar:

NM_014515.7(CNOT2):c.1063T>C (p.Phe355Leu)

Gene: CNOT2 (CCR4-NOT transcription complex subunit 2; plus strand). Cytogenetic location: 12q15.
Variant type: single nucleotide variant.
Coding change: c.1063T>C on transcript NM_014515.7 (MANE Select); coding-DNA position 1063, T replaced by C.
Protein change: p.Phe355Leu; replaces phenylalanine 355 with leucine.
Molecular consequence: missense variant. On other transcripts: non-coding transcript variant (1).
Genome position (GRCh38, 1-based): chr12:70,338,707, T>C. VCF-style: chr12-70338707-T-C. GRCh37 (hg19) VCF-style: chr12-70732487-T-C.
Other names: c.1063T>C, p.Phe355Leu (NM_001199302.2, NM_001199303.2, NM_001414651.1 and 1 more transcripts); c.1036T>C, p.Phe346Leu (NM_001414653.1, NM_001414654.1, NM_001414655.1); c.1021T>C, p.Phe341Leu (NM_001414656.1); c.1003T>C, p.Phe335Leu (NM_001414657.1, NM_001414658.1, NM_001414659.1 and 1 more transcripts); c.940T>C, p.Phe314Leu (NM_001414661.1); c.880T>C, p.Phe294Leu (NM_001414662.1); short protein forms F346L, F335L, F341L, F294L, F355L, F314L.
Identifiers: ClinVar variation 3781191 (VCV003781191.1).
Genomic context (GRCh38, chr12:70,338,707, plus strand): 5'-CTGTGTTTTTCCTACCCAGGTCGGGTTACTAACATTCCTCAAGGGATGGTGACGGACCAA[T>C]TTGGAATGATTGGCCTGTTAACATTTATCAGGGCAGCAGAGACAGACCCAGGAATGGTAC-3'
Protein context (NP_055330.1, residues 345-365): NIPQGMVTDQ[Phe355Leu]GMIGLLTFIR

ClinVar aggregate classification (germline): Uncertain significance (1 of 4 stars; one submission).

Submission:

GeneDx
Classification: Uncertain significance. Last evaluated: 2024-10-21. Review status: criteria provided, single submitter. Criteria: GeneDx Variant Classification Process June 2021. Collection method: clinical testing. Allele origin: germline. Affected: yes.
Comment: Not observed at significant frequency in large population cohorts (gnomAD); In silico analysis supports that this missense variant has a deleterious effect on protein structure/function; Has not been previously published as pathogenic or benign to our knowledge